The following is an entry in ClinVar:

ClinVar aggregate classification (germline): Benign (3 of 4 stars; one submission).

Conditions:
Breast-ovarian cancer, familial, susceptibility to, 2 (BROVCA2). Also called: BRCA2 Hereditary Breast and Ovarian Cancer. Identifiers: Orphanet 145, MedGen C2675520, MONDO:0012933, OMIM 612555. Disease mechanism: loss of function.

Submission:

Evidence-based Network for the Interpretation of Germline Mutant Alleles (ENIGMA)
Classification: Benign for Breast-ovarian cancer, familial 2. Last evaluated: 2015-01-12. Review status: reviewed by expert panel. Criteria: ENIGMA BRCA1/2 Classification Criteria (2015). Collection method: curation. Allele origin: germline.
Comment: Class 1 not pathogenic based on frequency >1% in an outbred sampleset. Frequency 0.08 (Asian), 0.28 (African), 0.21 (European), derived from 1000 genomes (2012-04-30).

NM_000059.4(BRCA2):c.7007+2436dup

Gene: BRCA2 (BRCA2 DNA repair associated; plus strand). Cytogenetic location: 13q13.1.
Variant type: Duplication.
Coding change: c.7007+2436dup on transcript NM_000059.4 (MANE Select); 2436 bases into the intron after coding-DNA position 7007, one base duplicated (A; older notation c.7007+2436dupA).
Molecular consequence: intron variant.
Genome position (GRCh38, 1-based): chr13:32,349,332, A duplicated; the last of 10 consecutive A bases (chr13:32,349,323-32,349,332); duplicating any one gives the same sequence. VCF-style (leftmost placement, unchanged base first): chr13-32349322-C-CA. GRCh37 (hg19) VCF-style: chr13-32923459-C-CA.
Other names: IVS 13+2426insA; c.7007+2426_7007+2427insA (NM_000059.3).
Identifiers: ClinVar variation 209729 (VCV000209729.1), dbSNP rs71802971, ClinGen allele CA276697.
Genomic context (GRCh38, chr13:32,349,322, plus strand): 5'-TATCCTTTCTTTGCCTTCCAAACTTTTACCAAAACATCATTGAAGAAACTTACACACACA[C>CA]AAAAAAAAAACAAGGAAAATAGGAAATAACAAAGTAACTAAATTTCTCAAAGCATGCAGA-3'